The following is an entry in ClinVar:

ClinVar aggregate classification (germline): Uncertain significance (1 of 4 stars; one submission).

Conditions:
EGFR-related lung cancer (EGFR). Identifiers: MedGen CN130014.

Submission:

Labcorp Genetics (formerly Invitae), Labcorp
Classification: Uncertain significance for EGFR-related lung cancer. Last evaluated: 2022-12-13. Review status: criteria provided, single submitter. Criteria: Invitae Variant Classification Sherloc (09022015). Collection method: clinical testing. Allele origin: germline.
Comment: In summary, the available evidence is currently insufficient to determine the role of this variant in disease. Therefore, it has been classified as a Variant of Uncertain Significance. This sequence change replaces threonine, which is neutral and polar, with alanine, which is neutral and non-polar, at codon 1141 of the EGFR protein (p.Thr1141Ala). This variant is not present in population databases (gnomAD no frequency). This variant has not been reported in the literature in individuals affected with EGFR-related conditions. Algorithms developed to predict the effect of missense changes on protein structure and function (SIFT, PolyPhen-2, Align-GVGD) all suggest that this variant is likely to be tolerated.

NM_005228.5(EGFR):c.3421A>G (p.Thr1141Ala)

Gene: EGFR (epidermal growth factor receptor; plus strand). Cytogenetic location: 7p11.2.
Variant type: single nucleotide variant.
Coding change: c.3421A>G on transcript NM_005228.5 (MANE Select); coding-DNA position 3421, A replaced by G.
Protein change: p.Thr1141Ala; replaces threonine 1141 with alanine.
Molecular consequence: missense variant.
Genome position (GRCh38, 1-based): chr7:55,205,405, A>G. VCF-style: chr7-55205405-A-G. GRCh37 (hg19) VCF-style: chr7-55273098-A-G.
Other names: c.3286A>G, p.Thr1096Ala (NM_001346899.2); c.3262A>G, p.Thr1088Ala (NM_001346900.2); c.2620A>G, p.Thr874Ala (NM_001346941.2); short protein forms T1088A, T1141A, T874A, T1096A.
Identifiers: ClinVar variation 2894760 (VCV002894760.3), dbSNP rs2128975329, ClinGen allele CA367584581.